The following is an entry in ClinVar:

NM_000090.4(COL3A1):c.3526-1G>C

Gene: COL3A1 (collagen type III alpha 1 chain; plus strand). Cytogenetic location: 2q32.2.
Variant type: single nucleotide variant.
Coding change: c.3526-1G>C on transcript NM_000090.4 (MANE Select); the canonical splice acceptor site of the intron before coding-DNA position 3526, G replaced by C.
Molecular consequence: splice acceptor variant.
Genome position (GRCh38, 1-based): chr2:189,008,923, G>C. VCF-style: chr2-189008923-G-C. GRCh37 (hg19) VCF-style: chr2-189873649-G-C.
Other names: c.3526-1G>C (NM_000090.3).
Identifiers: ClinVar variation 2704828 (VCV002704828.4), dbSNP rs2153504069, ClinGen allele CA349846574.
Genomic context (GRCh38, chr2:189,008,923, plus strand): 5'-GTATTCTTAGAGTGGCGACTGAATGTGCATACCTCAATGATCCATGTTTTACTCATTCTA[G>C]GGCTCCCCAGGCCACCCAGGGCAACCAGGCCCTCCTGGACCTCCTGGTGCCCCTGGTCCT-3'

ClinVar aggregate classification (germline): Likely pathogenic. Review status: criteria provided, multiple submitters, no conflicts (2 of 4 stars). 2 submissions from 2 submitters: Likely pathogenic (2). Last evaluated 2024-10-12.

Conditions:
Familial thoracic aortic aneurysm and aortic dissection (TAAD). Also called: Thoracic aortic aneurysms and dissections. Identifiers: Orphanet 91387, MedGen C4707243, MONDO:0019625.
Ehlers-Danlos syndrome, type 4 (EDSVASC). Also called: Ehlers-Danlos Syndrome Type IV; Ehlers-Danlos syndrome vascular type; Ehlers Danlos syndrome, ecchymotic type; Ehlers Danlos syndrome, arterial type; Ehlers Danlos syndrome, Sack-Barabas type. Identifiers: Orphanet 286, MedGen C0268338, MONDO:0017314, OMIM 130050.

Submissions (2):

Ambry Genetics
Classification: Likely pathogenic for Familial thoracic aortic aneurysm and aortic dissection. Last evaluated: 2024-10-12. Review status: criteria provided, single submitter. Criteria: Ambry Variant Classification Scheme 2023. Collection method: clinical testing. Allele origin: germline.
Comment: The c.3526-1G>C intronic variant results from a G to C substitution one nucleotide upstream from coding exon 48 of the COL3A1 gene. This variant is considered to be rare based on population cohorts in the Genome Aggregation Database (gnomAD). This nucleotide position is highly conserved in available vertebrate species. In silico splice site analysis predicts that this alteration will weaken the native splice acceptor site and will result in the creation or strengthening of a novel splice acceptor site. Alterations that disrupt the canonical splice site are expected to cause aberrant splicing, resulting in an abnormal protein or a transcript that is subject to nonsense-mediated mRNA decay. As such, this alteration is classified as likely pathogenic.

Labcorp Genetics (formerly Invitae), Labcorp
Classification: Likely pathogenic for Ehlers-Danlos syndrome, type 4. Last evaluated: 2023-12-22. Review status: criteria provided, single submitter. Criteria: Invitae Variant Classification Sherloc (09022015). Collection method: clinical testing. Allele origin: germline.
Comment: This sequence change affects an acceptor splice site in intron 47 of the COL3A1 gene. It is expected to disrupt RNA splicing. Variants that disrupt the donor or acceptor splice site typically lead to a loss of protein function (PMID: 16199547), and loss-of-function variants in COL3A1 are known to be pathogenic (PMID: 24922459). This variant is not present in population databases (gnomAD no frequency). Disruption of this splice site has been observed in individual(s) with COL3A1-related conditions (Invitae). Algorithms developed to predict the effect of sequence changes on RNA splicing suggest that this variant may disrupt the consensus splice site. In summary, the currently available evidence indicates that the variant is pathogenic, but additional data are needed to prove that conclusively. Therefore, this variant has been classified as Likely Pathogenic.

Literature cited by the submitters: PubMed 16199547 (cited by Labcorp Genetics (formerly Invitae), Labcorp); PubMed 24922459 (cited by Labcorp Genetics (formerly Invitae), Labcorp).